The following is an entry in ClinVar:

ClinVar aggregate classification (germline): Uncertain significance. Review status: criteria provided, multiple submitters, no conflicts (2 of 4 stars). 2 submissions from 2 submitters: Uncertain significance (2). Last evaluated 2026-01-27.

Conditions:
Inborn genetic diseases. Identifiers: MedGen C0950123, MeSH D030342.
Glanzmann thrombasthenia. Also called: THROMBASTHENIA OF GLANZMANN AND NAEGELI; BLEEDING DISORDER, PLATELET-TYPE, 2; PLATELET GLYCOPROTEIN IIb-IIIa DEFICIENCY; Thrombasthenia; Glanzmann's thrombasthenia. Identifiers: Orphanet 849, MedGen C0040015, MONDO:0100326.

Allele frequency attached by ClinVar (database versions not stated): ExAC 0.00005; gnomAD 0.00007; ESP Exome Variant Server 0.00008; TOPMed 0.00008.
gnomAD v4.1: 143 of 1,613,292 alleles (0.0089%); highest among the groups gnomAD compares: Non-Finnish European, 0.012%; no homozygotes.

Submissions (2):

Labcorp Genetics (formerly Invitae), Labcorp
Classification: Uncertain significance for Glanzmann thrombasthenia. Last evaluated: 2026-01-27. Review status: criteria provided, single submitter. Criteria: Invitae Variant Classification Sherloc (09022015). Collection method: clinical testing. Allele origin: germline.
Comment: This sequence change replaces tyrosine, which is neutral and polar, with cysteine, which is neutral and slightly polar, at codon 411 of the ITGA2B protein (p.Tyr411Cys). This variant is present in population databases (rs373586333, gnomAD 0.01%). This variant has not been reported in the literature in individuals affected with ITGA2B-related conditions. ClinVar contains an entry for this variant (Variation ID: 2856754). Invitae Evidence Modeling of protein sequence and biophysical properties (such as structural, functional, and spatial information, amino acid conservation, physicochemical variation, residue mobility, and thermodynamic stability) indicates that this missense variant is expected to disrupt ITGA2B protein function with a positive predictive value of 95%. In summary, the available evidence is currently insufficient to determine the role of this variant in disease. Therefore, it has been classified as a Variant of Uncertain Significance.

Ambry Genetics
Classification: Uncertain significance for Inborn genetic diseases. Last evaluated: 2023-12-07. Review status: criteria provided, single submitter. Criteria: Ambry Variant Classification Scheme 2023. Collection method: clinical testing. Allele origin: germline.

NM_000419.5(ITGA2B):c.1232A>G (p.Tyr411Cys)

Gene: ITGA2B (integrin subunit alpha 2b; minus strand). Cytogenetic location: 17q21.31.
Variant type: single nucleotide variant.
Coding change: c.1232A>G on transcript NM_000419.5 (MANE Select); coding-DNA position 1232, A replaced by G.
Protein change: p.Tyr411Cys; replaces tyrosine 411 with cysteine.
Molecular consequence: missense variant.
Genome position (GRCh38, 1-based): chr17:44,381,040, T>C on the plus strand (A>G on the coding strand, the complement: ITGA2B is on the minus strand). VCF-style: chr17-44381040-T-C. GRCh37 (hg19) VCF-style: chr17-42458408-T-C.
Other names: short protein forms Y411C.
Identifiers: ClinVar variation 2856754 (VCV002856754.4), dbSNP rs373586333, ClinGen allele CA8603184.